The following is an entry in ClinVar:

NM_007294.4(BRCA1):c.3633del (p.Ser1212fs)

Genes: BRCA1 (BRCA1 DNA repair associated; minus strand), LOC126862571 (BRD4-independent group 4 enhancer GRCh37_chr17:41243136-41244335; plus strand). Cytogenetic location: 17q21.31.
Variant type: Deletion.
Coding change: c.3633del on transcript NM_007294.4 (MANE Select); coding-DNA position 3633, one base deleted (C; older notation c.3633delC).
Protein change: p.Ser1212fs; shifts the reading frame from serine 1212.
Molecular consequence: frameshift variant. On other transcripts: intron variant (135).
Genome position (GRCh38, 1-based): chr17:43,091,898, G deleted on the plus strand (C on the coding strand, the reverse complement: BRCA1 is on the minus strand); the first of 2 consecutive G bases (chr17:43,091,898-43,091,899); deleting either gives the same sequence. VCF-style (leftmost placement, unchanged base first): chr17-43091897-AG-A. GRCh37 (hg19) VCF-style: chr17-41243914-AG-A.
Other names: c.524-866del (NM_001408496.1, NM_001408498.1, NM_001408501.1 and 3 more transcripts); c.647-866del (NM_001408460.1, NM_001408454.1, NM_001408458.1 and 11 more transcripts); c.3630del, p.Ser1211fs (NM_001407629.1, NM_001407630.1, NM_001407631.1 and 22 more transcripts); c.707-866del (NM_001408413.1, NM_001408416.1); c.710-866del (NM_001408409.1, NM_001408412.1, NM_001408414.1 and 2 more transcripts); c.575-866del (NM_001408493.1, NM_001408490.1, NM_001408491.1); c.662-866del (NM_001408445.1, NM_001408432.1, NM_001408446.1 and 6 more transcripts); c.587-866del (NM_001408476.1, NM_001408474.1); and 42 more; short protein forms S1165fs, S1212fs, S1123fs, S1124fs, S1141fs, S1209fs, S1144fs, S1171fs.
Identifiers: ClinVar variation 1733428 (VCV001733428.2), dbSNP rs2552141139, ClinGen allele CA2499224457.

ClinVar aggregate classification (germline): Pathogenic (1 of 4 stars; one submission).

Conditions:
Hereditary cancer-predisposing syndrome. Also called: Neoplastic Syndromes, Hereditary; Tumor predisposition; Hereditary Cancer Syndrome; Hereditary neoplastic syndrome. Identifiers: Orphanet 140162, MedGen C0027672, MeSH D009386, MONDO:0015356.

Submission:

Ambry Genetics
Classification: Pathogenic for Hereditary cancer-predisposing syndrome. Last evaluated: 2021-02-25. Review status: criteria provided, single submitter. Criteria: Ambry Variant Classification Scheme 2023. Collection method: clinical testing. Allele origin: germline.
Comment: The c.3633delC pathogenic mutation, located in coding exon 9 of the BRCA1 gene, results from a deletion of one nucleotide at nucleotide position 3633, causing a translational frameshift with a predicted alternate stop codon (p.S1212Qfs*23). In addition to the clinical data presented in the literature, this alteration is expected to result in loss of function by premature protein truncation or nonsense-mediated mRNA decay. As such, this alteration is interpreted as a disease-causing mutation.

Literature cited by the submitters: PubMed 30014164.